The following is an entry in ClinVar:

ClinVar aggregate classification (germline): Likely benign (0 of 4 stars; one submission).

Conditions:
PI4KA-related disorder. Also called: PI4KA-related disorders; PI4KA-related condition. Identifiers: MedGen CN378147, MONDO:1040012.

Allele frequency attached by ClinVar (database versions not stated): gnomAD exomes 0.00007; ExAC 0.00025; 1000 Genomes Project 0.00080; gnomAD 0.00081; ESP Exome Variant Server 0.00085; TOPMed 0.00088; 1000 Genomes Project 30x 0.00094.
gnomAD v4.1: 228 of 1,613,792 alleles (0.014%); highest among the groups gnomAD compares: African/African-American, 0.26%; no homozygotes.

Submission:

PreventionGenetics, part of Exact Sciences
Classification: Likely benign for PI4KA-related condition. Last evaluated: 2023-08-11. Review status: no assertion criteria provided. Collection method: clinical testing. Allele origin: germline.
Comment: This variant is classified as likely benign based on ACMG/AMP sequence variant interpretation guidelines (Richards et al. 2015 PMID: 25741868, with internal and published modifications).

NM_058004.4(PI4KA):c.984G>A (p.Met328Ile)

Gene: PI4KA (phosphatidylinositol 4-kinase alpha; minus strand). Cytogenetic location: 22q11.21.
Variant type: single nucleotide variant.
Coding change: c.984G>A on transcript NM_058004.4 (MANE Select); coding-DNA position 984, G replaced by A.
Protein change: p.Met328Ile; replaces methionine 328 with isoleucine.
Molecular consequence: missense variant.
Genome position (GRCh38, 1-based): chr22:20,813,379, C>T on the plus strand (G>A on the coding strand, the complement: PI4KA is on the minus strand). VCF-style: chr22-20813379-C-T. GRCh37 (hg19) VCF-style: chr22-21167667-C-T.
Other names: c.984G>A, p.Met328Ile (NM_001362862.2, NM_001362863.2); short protein forms M328I.
Identifiers: ClinVar variation 3051402 (VCV003051402.2), dbSNP rs116427800, ClinGen allele CA10116628.